The following is an entry in ClinVar:

NM_001378687.1(ATP2C1):c.1442G>A (p.Gly481Asp)

Gene: ATP2C1 (ATPase secretory pathway Ca2+ transporting 1; plus strand). Cytogenetic location: 3q22.1.
Variant type: single nucleotide variant.
Coding change: c.1442G>A on transcript NM_001378687.1 (MANE Select); coding-DNA position 1442, G replaced by A.
Protein change: p.Gly481Asp; replaces glycine 481 with aspartic acid.
Molecular consequence: missense variant.
Genome position (GRCh38, 1-based): chr3:130,975,360, G>A. VCF-style: chr3-130975360-G-A. GRCh37 (hg19) VCF-style: chr3-130694204-G-A.
Other names: c.1442G>A, p.Gly481Asp (NM_001001485.3, NM_001001486.2, NM_001001487.2 and 5 more transcripts); c.1544G>A, p.Gly515Asp (NM_001199180.2, NM_001199181.3, NM_001378511.1); c.1427G>A, p.Gly476Asp (NM_001199182.2); c.1394G>A, p.Gly465Asp (NM_001199183.2, NM_001199184.3, NM_001378514.1); short protein forms G481D, G465D, G476D, G515D.
Identifiers: ClinVar variation 3660607 (VCV003660607.2).
Genomic context (GRCh38, chr3:130,975,360, plus strand): 5'-TTAAACTTGTGTTTGGTACATTTTCTTCTTAGGACAGACCAGAGATTTGTTTTATGAAAG[G>A]TGCTTACGAACAAGTAATTAAGTACTGTACTACATACCAGAGCAAAGGGCAGACCTTGAC-3'
Protein context (NP_001365616.1, residues 471-491): QDRPEICFMK[Gly481Asp]AYEQVIKYCT

ClinVar aggregate classification (germline): Uncertain significance (1 of 4 stars; one submission).

gnomAD v4.1: 4 of 1,613,700 alleles (0.00025%); highest among the groups gnomAD compares: African/African-American, 0.004%; no homozygotes.

Submission:

Labcorp Genetics (formerly Invitae), Labcorp
Classification: Uncertain significance. Last evaluated: 2026-01-01. Review status: criteria provided, single submitter. Criteria: Invitae Variant Classification Sherloc (09022015). Collection method: clinical testing. Allele origin: germline.
Comment: This sequence change replaces glycine, which is neutral and non-polar, with aspartic acid, which is acidic and polar, at codon 481 of the ATP2C1 protein (p.Gly481Asp). This variant is not present in population databases (gnomAD no frequency). This variant has not been reported in the literature in individuals affected with ATP2C1-related conditions. ClinVar contains an entry for this variant (Variation ID: 3660607). Invitae Evidence Modeling of protein sequence and biophysical properties (such as structural, functional, and spatial information, amino acid conservation, physicochemical variation, residue mobility, and thermodynamic stability) indicates that this missense variant is expected to disrupt ATP2C1 protein function with a positive predictive value of 80%. In summary, the available evidence is currently insufficient to determine the role of this variant in disease. Therefore, it has been classified as a Variant of Uncertain Significance.